The following is an entry in ClinVar:

ClinVar aggregate classification (germline): Uncertain significance (1 of 4 stars; one submission).

Submission:

GeneDx
Classification: Uncertain significance. Last evaluated: 2024-04-05. Review status: criteria provided, single submitter. Criteria: GeneDx Variant Classification Process June 2021. Collection method: clinical testing. Allele origin: germline. Affected: yes.
Comment: Not observed at significant frequency in large population cohorts (gnomAD); In silico analysis supports that this missense variant has a deleterious effect on protein structure/function; Has not been previously published as pathogenic or benign to our knowledge

NM_014491.4(FOXP2):c.119C>G (p.Thr40Ser)

Gene: FOXP2 (forkhead box P2; plus strand). Cytogenetic location: 7q31.1.
Variant type: single nucleotide variant.
Coding change: c.119C>G on transcript NM_014491.4 (MANE Select); coding-DNA position 119, C replaced by G.
Protein change: p.Thr40Ser; replaces threonine 40 with serine.
Molecular consequence: missense variant. On other transcripts: non-coding transcript variant (2).
Genome position (GRCh38, 1-based): chr7:114,426,630, C>G. VCF-style: chr7-114426630-C-G. GRCh37 (hg19) VCF-style: chr7-114066685-C-G.
Other names: c.119C>G, p.Thr40Ser (NM_001172766.3, NM_001172767.2, NM_148898.4 and 2 more transcripts); short protein forms T40S.
Identifiers: ClinVar variation 3371486 (VCV003371486.1).